The following is an entry in ClinVar:

ClinVar aggregate classification (germline): Pathogenic (1 of 4 stars; one submission).

Submission:

Labcorp Genetics (formerly Invitae), Labcorp
Classification: Pathogenic. Last evaluated: 2021-10-15. Review status: criteria provided, single submitter. Criteria: Invitae Variant Classification Sherloc (09022015). Collection method: clinical testing. Allele origin: germline.
Comment: For these reasons, this variant has been classified as Pathogenic. This variant has not been reported in the literature in individuals affected with GRHPR-related conditions. This variant is a gross deletion of the genomic region encompassing exon(s) 1-2 of the GRHPR gene, which includes the initiator codon. This deletion extends beyond the assayed region for this gene and therefore may encompass additional genes. It is expected to result in an absent or disrupted protein product. Loss-of-function variants in GRHPR are known to be pathogenic (PMID: 25644115).

Literature cited by the submitters: PubMed 25644115.

NC_000009.11:g.(?_37422738)_(37424982_?)del

Gene: GRHPR (glyoxylate and hydroxypyruvate reductase; plus strand). Cytogenetic location: 9p13.2.
Variant type: Deletion.
Identifiers: ClinVar variation 1455478 (VCV001455478.4).